The following is an entry in ClinVar:

NM_001182.5(ALDH7A1):c.914-287A>G

Gene: ALDH7A1 (aldehyde dehydrogenase 7 family member A1; minus strand). Cytogenetic location: 5q23.2.
Variant type: single nucleotide variant.
Coding change: c.914-287A>G on transcript NM_001182.5 (MANE Select); 287 bases into the intron before coding-DNA position 914, A replaced by G.
Molecular consequence: intron variant.
Genome position (GRCh38, 1-based): chr5:126,559,621, T>C on the plus strand (A>G on the coding strand, the complement: ALDH7A1 is on the minus strand). VCF-style: chr5-126559621-T-C. GRCh37 (hg19) VCF-style: chr5-125895313-T-C.
Other names: c.914-287A>G (NM_001202404.2); c.830-287A>G (NM_001201377.2).
Identifiers: ClinVar variation 667962 (VCV000667962.1), dbSNP rs7706009, ClinGen allele CA126890162.

ClinVar aggregate classification (germline): Benign (1 of 4 stars; one submission).

Allele frequency attached by ClinVar (database versions not stated): gnomAD 0.69742 and 0.69844; 1000 Genomes Project 0.70008; 1000 Genomes Project 30x 0.70253; TOPMed 0.70865.
gnomAD v4.1: 105,897 of 151,668 alleles (70%); highest among the groups gnomAD compares: Admixed American, 77%; 37,193 homozygotes.

Submission:

GeneDx
Classification: Benign. Last evaluated: 2018-06-18. Review status: criteria provided, single submitter. Criteria: GeneDx Variant Classification (06012015). Collection method: clinical testing. Allele origin: germline. Affected: yes.
Comment: This variant is considered likely benign or benign based on one or more of the following criteria: it is a conservative change, it occurs at a poorly conserved position in the protein, it is predicted to be benign by multiple in silico algorithms, and/or has population frequency not consistent with disease.